The following is an entry in ClinVar:

NM_001232.4(CASQ2):c.670C>T (p.Pro224Ser)

Gene: CASQ2 (calsequestrin 2; minus strand). Cytogenetic location: 1p13.1.
Variant type: single nucleotide variant.
Coding change: c.670C>T on transcript NM_001232.4 (MANE Select); coding-DNA position 670, C replaced by T.
Protein change: p.Pro224Ser; replaces proline 224 with serine.
Molecular consequence: missense variant.
Genome position (GRCh38, 1-based): chr1:115,727,059, G>A on the plus strand (C>T on the coding strand, the complement: CASQ2 is on the minus strand). VCF-style: chr1-115727059-G-A. GRCh37 (hg19) VCF-style: chr1-116269680-G-A.
Other names: short protein forms P224S.
Identifiers: ClinVar variation 4771980 (VCV004771980.1).

ClinVar aggregate classification (germline): Uncertain significance (1 of 4 stars; one submission).

Conditions:
Catecholaminergic polymorphic ventricular tachycardia 1. Also called: VENTRICULAR TACHYCARDIA, STRESS-INDUCED POLYMORPHIC 1; RYR2-Related Catecholaminergic Polymorphic Ventricular Tachycardia; VENTRICULAR TACHYCARDIA, CATECHOLAMINERGIC POLYMORPHIC, 1, WITH OR WITHOUT ATRIAL DYSFUNCTION AND/OR DILATED CARDIOMYOPATHY. Identifiers: Orphanet 3286, MedGen C1631597, MONDO:0011484, OMIM 604772.

Submission:

Labcorp Genetics (formerly Invitae), Labcorp
Classification: Uncertain significance for Catecholaminergic polymorphic ventricular tachycardia 1. Last evaluated: 2026-01-15. Review status: criteria provided, single submitter. Criteria: Invitae Variant Classification Sherloc (09022015). Collection method: clinical testing. Allele origin: germline.
Comment: This sequence change replaces proline, which is neutral and non-polar, with serine, which is neutral and polar, at codon 224 of the CASQ2 protein (p.Pro224Ser). This variant is not present in population databases (gnomAD no frequency). This variant has not been reported in the literature in individuals affected with CASQ2-related conditions. An algorithm developed to predict the effect of missense changes on protein structure and function outputs the following: PolyPhen-2: "Benign". The serine amino acid residue is found in multiple mammalian species, which suggests that this missense change does not adversely affect protein function. In summary, the available evidence is currently insufficient to determine the role of this variant in disease. Therefore, it has been classified as a Variant of Uncertain Significance.